The following is an entry in ClinVar:

NM_006060.6(IKZF1):c.811G>A (p.Val271Ile)

Gene: IKZF1 (IKAROS family zinc finger 1; plus strand). Cytogenetic location: 7p12.2.
Variant type: single nucleotide variant.
Coding change: c.811G>A on transcript NM_006060.6 (MANE Select); coding-DNA position 811, G replaced by A.
Protein change: p.Val271Ile; replaces valine 271 with isoleucine.
Molecular consequence: missense variant. On other transcripts: intron variant (3).
Genome position (GRCh38, 1-based): chr7:50,391,824, G>A. VCF-style: chr7-50391824-G-A. GRCh37 (hg19) VCF-style: chr7-50459522-G-A.
Other names: c.685G>A, p.Val229Ile (NM_001220765.3, NM_001291837.2); c.550G>A, p.Val184Ile (NM_001220767.2, NM_001291838.2); c.424G>A, p.Val142Ile (NM_001220770.2, NM_001291839.2); c.382G>A, p.Val128Ile (NM_001291841.1, NM_001291842.1); c.256G>A, p.Val86Ile (NM_001291843.1, NM_001291844.1); c.871G>A, p.Val291Ile (NM_001410879.1); c.590-8094G>A (NM_001220768.2); c.422-8094G>A (NM_001220771.2); and 1 more; short protein forms V142I, V86I, V128I, V271I, V291I, V184I, V229I.
Identifiers: ClinVar variation 2126292 (VCV002126292.4), dbSNP rs1410124404, ClinGen allele CA367536004.

ClinVar aggregate classification (germline): Uncertain significance (1 of 4 stars; one submission).

Allele frequency attached by ClinVar (database versions not stated): gnomAD exomes below 0.00001; TOPMed below 0.00001.
gnomAD v4.1: 5 of 1,613,924 alleles (0.00031%); highest among the groups gnomAD compares: South Asian, 0.0033%; no homozygotes.

Submission:

Labcorp Genetics (formerly Invitae), Labcorp
Classification: Uncertain significance. Last evaluated: 2022-05-11. Review status: criteria provided, single submitter. Criteria: Invitae Variant Classification Sherloc (09022015). Collection method: clinical testing. Allele origin: germline.
Comment: In summary, the available evidence is currently insufficient to determine the role of this variant in disease. Therefore, it has been classified as a Variant of Uncertain Significance. This sequence change replaces valine, which is neutral and non-polar, with isoleucine, which is neutral and non-polar, at codon 271 of the IKZF1 protein (p.Val271Ile). This variant is present in population databases (no rsID available, gnomAD 0.007%). This variant has not been reported in the literature in individuals affected with IKZF1-related conditions. Algorithms developed to predict the effect of missense changes on protein structure and function are either unavailable or do not agree on the potential impact of this missense change (SIFT: "Not Available"; PolyPhen-2: "Probably Damaging"; Align-GVGD: "Not Available").